The following is an entry in ClinVar:

NM_002460.4(IRF4):c.1334G>A (p.Arg445His)

Gene: IRF4 (interferon regulatory factor 4; plus strand). Cytogenetic location: 6p25.3.
Variant type: single nucleotide variant.
Coding change: c.1334G>A on transcript NM_002460.4 (MANE Select); coding-DNA position 1334, G replaced by A.
Protein change: p.Arg445His; replaces arginine 445 with histidine.
Molecular consequence: missense variant. On other transcripts: non-coding transcript variant (1).
Genome position (GRCh38, 1-based): chr6:407,576, G>A. VCF-style: chr6-407576-G-A. GRCh37 (hg19) VCF-style: chr6-407576-G-A.
Other names: c.1331G>A, p.Arg444His (NM_001195286.2); short protein forms R445H, R444H.
Identifiers: ClinVar variation 1349076 (VCV001349076.6), dbSNP rs756602021, ClinGen allele CA3612948.

ClinVar aggregate classification (germline): Uncertain significance (1 of 4 stars; one submission).

Allele frequency attached by ClinVar (database versions not stated): gnomAD 0.00002 and 0.00003; TOPMed 0.00006.
gnomAD v4.1: 29 of 1,605,776 alleles (0.0018%); highest among the groups gnomAD compares: Admixed American, 0.015%; no homozygotes.

Submission:

Labcorp Genetics (formerly Invitae), Labcorp
Classification: Uncertain significance. Last evaluated: 2025-11-03. Review status: criteria provided, single submitter. Criteria: Invitae Variant Classification Sherloc (09022015). Collection method: clinical testing. Allele origin: germline.
Comment: This sequence change replaces arginine, which is basic and polar, with histidine, which is basic and polar, at codon 445 of the IRF4 protein (p.Arg445His). This variant is present in population databases (rs756602021, gnomAD 0.01%). This variant has not been reported in the literature in individuals affected with IRF4-related conditions. ClinVar contains an entry for this variant (Variation ID: 1349076). An algorithm developed to predict the effect of missense changes on protein structure and function (PolyPhen-2) suggests that this variant is likely to be tolerated. In summary, the available evidence is currently insufficient to determine the role of this variant in disease. Therefore, it has been classified as a Variant of Uncertain Significance.